The following is an entry in ClinVar:

NM_017849.4(TMEM127):c.419G>T (p.Cys140Phe)

Gene: TMEM127 (transmembrane protein 127; minus strand). Cytogenetic location: 2q11.2.
Variant type: single nucleotide variant.
Coding change: c.419G>T on transcript NM_017849.4 (MANE Select); coding-DNA position 419, G replaced by T.
Protein change: p.Cys140Phe; replaces cysteine 140 with phenylalanine.
Molecular consequence: missense variant.
Genome position (GRCh38, 1-based): chr2:96,254,106, C>A on the plus strand (G>T on the coding strand, the complement: TMEM127 is on the minus strand). VCF-style: chr2-96254106-C-A. GRCh37 (hg19) VCF-style: chr2-96919844-C-A.
Other names: c.419G>T, p.Cys140Phe (NM_001193304.3); short protein forms C140F.
Identifiers: ClinVar variation 532503 (VCV000532503.12), dbSNP rs121908828, ClinGen allele CA347653164.

ClinVar aggregate classification (germline): Uncertain significance. Review status: criteria provided, multiple submitters, no conflicts (2 of 4 stars). 2 submissions from 2 submitters: Uncertain significance (2). Last evaluated 2025-10-28.

Conditions:
Hereditary pheochromocytoma and paraganglioma. Also called: Hereditary Paraganglioma-Pheochromocytoma Syndromes; Hereditary paragangliomas and pheochromocytomas; Hereditary pheochromocytoma-paraganglioma. Identifiers: Orphanet 29072, MedGen C4274332, MONDO:0017366.
Hereditary cancer-predisposing syndrome. Also called: Neoplastic Syndromes, Hereditary; Hereditary Cancer Syndrome; Tumor predisposition; Hereditary neoplastic syndrome. Identifiers: Orphanet 140162, MedGen C0027672, MeSH D009386, MONDO:0015356.

Allele frequency attached by ClinVar (database versions not stated): TOPMed below 0.00001; gnomAD 0.00001.
gnomAD v4.1: 2 of 1,613,854 alleles (0.00012%); highest among the groups gnomAD compares: Non-Finnish European, 0.00017%; no homozygotes.

Submissions (2):

Labcorp Genetics (formerly Invitae), Labcorp
Classification: Uncertain significance for Hereditary pheochromocytoma and paraganglioma. Last evaluated: 2025-10-28. Review status: criteria provided, single submitter. Criteria: Invitae Variant Classification Sherloc (09022015). Collection method: clinical testing. Allele origin: germline.
Comment: This sequence change replaces cysteine, which is neutral and slightly polar, with phenylalanine, which is neutral and non-polar, at codon 140 of the TMEM127 protein (p.Cys140Phe). This variant is not present in population databases (gnomAD no frequency). This missense change has been observed in individual(s) with clinical features of TMEM127-related conditions (internal data). ClinVar contains an entry for this variant (Variation ID: 532503). An algorithm developed to predict the effect of missense changes on protein structure and function (PolyPhen-2) suggests that this variant is likely to be disruptive. This variant disrupts the p.Cys140 amino acid residue in TMEM127. Other variant(s) that disrupt this residue have been observed in individuals with TMEM127-related conditions (PMID: 21156949, 22517554, 26960314), which suggests that this may be a clinically significant amino acid residue. In summary, the available evidence is currently insufficient to determine the role of this variant in disease. Therefore, it has been classified as a Variant of Uncertain Significance.

Ambry Genetics
Classification: Uncertain significance for Hereditary cancer-predisposing syndrome. Last evaluated: 2024-07-02. Review status: criteria provided, single submitter. Criteria: Ambry Variant Classification Scheme 2023. Collection method: clinical testing. Allele origin: germline.
Comment: The p.C140F variant (also known as c.419G>T), located in coding exon 3 of the TMEM127 gene, results from a G to T substitution at nucleotide position 419. The cysteine at codon 140 is replaced by phenylalanine, an amino acid with highly dissimilar properties. This amino acid position is highly conserved in available vertebrate species. In addition, this alteration is predicted to be deleterious by in silico analysis. Based on the available evidence, the clinical significance of this variant remains unclear.

Literature cited by the submitters: PubMed 21156949 (cited by Labcorp Genetics (formerly Invitae), Labcorp); PubMed 22517554 (cited by Labcorp Genetics (formerly Invitae), Labcorp); PubMed 26960314 (cited by Labcorp Genetics (formerly Invitae), Labcorp).